The following is an entry in ClinVar:

ClinVar aggregate classification (germline): Pathogenic. Review status: criteria provided, multiple submitters, no conflicts (2 of 4 stars). 2 submissions from 2 submitters: Pathogenic (2). Last evaluated 2024-10-02.

Conditions:
Lesch-Nyhan syndrome (LNS). Also called: HPRT DEFICIENCY, COMPLETE; Lesch-Nyhan Disease (LND). Identifiers: Orphanet 510, MedGen C0023374, MONDO:0010298, OMIM 300322.
Partial hypoxanthine-guanine phosphoribosyltransferase deficiency. Also called: Kelley-Seegmiller Syndrome; GOUT, HPRT-RELATED; HPRT DEFICIENCY, PARTIAL; HYPOXANTHINE GUANINE PHOSPHORIBOSYLTRANSFERASE 1 DEFICIENCY, PARTIAL; HPRT1 DEFICIENCY, PARTIAL. Identifiers: Orphanet 79233, MedGen C0268117, MONDO:0010299, OMIM 300323.

Submissions (2):

Labcorp Genetics (formerly Invitae), Labcorp
Classification: Pathogenic for Lesch-Nyhan syndrome; Partial hypoxanthine-guanine phosphoribosyltransferase deficiency. Last evaluated: 2024-10-02. Review status: criteria provided, single submitter. Criteria: Invitae Variant Classification Sherloc (09022015). Collection method: clinical testing. Allele origin: germline.
Comment: This sequence change affects a donor splice site in intron 4 of the HPRT1 gene. It is expected to disrupt RNA splicing. Variants that disrupt the donor or acceptor splice site typically lead to a loss of protein function (PMID: 16199547), and loss-of-function variants in HPRT1 are known to be pathogenic (PMID: 15571220, 17027311, 22157001). This variant is not present in population databases (gnomAD no frequency). Disruption of this splice site has been observed in individual(s) with clinical features of HPRT1-related conditions (PMID: 11078746, 16549399). ClinVar contains an entry for this variant (Variation ID: 92603). Algorithms developed to predict the effect of sequence changes on RNA splicing suggest that this variant may disrupt the consensus splice site. For these reasons, this variant has been classified as Pathogenic.

Eurofins Ntd Llc (ga)
Classification: Pathogenic. Last evaluated: 2015-07-13. Review status: criteria provided, single submitter. Criteria: EGL Classification Definitions. Collection method: clinical testing. Allele origin: germline. Observed: 1 variant allele, 1 hemizygote.

Literature cited by the submitters: PubMed 16199547 (cited by Labcorp Genetics (formerly Invitae), Labcorp); PubMed 15571220 (cited by Labcorp Genetics (formerly Invitae), Labcorp); PubMed 17027311 (cited by Labcorp Genetics (formerly Invitae), Labcorp); PubMed 22157001 (cited by Labcorp Genetics (formerly Invitae), Labcorp); PubMed 11078746 (cited by Labcorp Genetics (formerly Invitae), Labcorp); PubMed 16549399 (cited by Labcorp Genetics (formerly Invitae), Labcorp).

NM_000194.3(HPRT1):c.384+1G>A

Gene: HPRT1 (hypoxanthine phosphoribosyltransferase 1; plus strand). Cytogenetic location: Xq26.2.
Variant type: single nucleotide variant.
Coding change: c.384+1G>A on transcript NM_000194.3 (MANE Select); the canonical splice donor site of the intron after coding-DNA position 384, G replaced by A.
Molecular consequence: splice donor variant.
Genome position (GRCh38, 1-based): chrX:134,486,531, G>A. VCF-style: chrX-134486531-G-A. GRCh37 (hg19) VCF-style: chrX-133620561-G-A.
Identifiers: ClinVar variation 92603 (VCV000092603.8), dbSNP rs398123240, ClinGen allele CA220477.